The following is an entry in ClinVar:

NM_024685.4(BBS10):c.1330del (p.Ser444fs)

Gene: BBS10 (Bardet-Biedl syndrome 10; minus strand). Cytogenetic location: 12q21.2.
Variant type: Deletion.
Coding change: c.1330del on transcript NM_024685.4 (MANE Select); coding-DNA position 1330, one base deleted (A; older notation c.1330delA).
Protein change: p.Ser444fs; shifts the reading frame from serine 444.
Molecular consequence: frameshift variant.
Genome position (GRCh38, 1-based): chr12:76,346,655, T deleted on the plus strand (A on the coding strand, the reverse complement: BBS10 is on the minus strand); the first of 2 consecutive T bases (chr12:76,346,655-76,346,656); deleting either gives the same sequence. VCF-style (leftmost placement, unchanged base first): chr12-76346654-CT-C. GRCh37 (hg19) VCF-style: chr12-76740434-CT-C.
Other names: short protein forms S444fs.
Identifiers: ClinVar variation 1460369 (VCV001460369.8), dbSNP rs2136090382, ClinGen allele CA2573148991.
Genomic context (GRCh38, chr12:76,346,654, plus strand): 5'-GAGCCATTACCAGGATCTGGTGCTTGATAACTTTCTCCACTGTTCTTATAAATAAAAAGA[CT>C]TGAAGTGCCATTTTGGTCATTGGTTTGTGTCATGTAATTTAGATCAAGGTCTTTAAATAA-3'

ClinVar aggregate classification (germline): Pathogenic (1 of 4 stars; one submission).

Conditions:
Bardet-Biedl syndrome (BBS). Identifiers: Orphanet 110, MedGen C0752166, MONDO:0015229.

Submission:

Labcorp Genetics (formerly Invitae), Labcorp
Classification: Pathogenic for Bardet-Biedl syndrome. Last evaluated: 2021-04-25. Review status: criteria provided, single submitter. Criteria: Invitae Variant Classification Sherloc (09022015). Collection method: clinical testing. Allele origin: germline.
Comment: For these reasons, this variant has been classified as Pathogenic. This variant disrupts the C-terminus of the BBS10 protein. Other variant(s) that disrupt this region (p.Val707*) have been determined to be pathogenic (PMID: 25982971, 22773737, 27486776, 20472660). This suggests that variants that disrupt this region of the protein are likely to be causative of disease. This variant has not been reported in the literature in individuals with BBS10-related conditions. This variant is not present in population databases (ExAC no frequency). This sequence change creates a premature translational stop signal (p.Ser444Valfs*44) in the BBS10 gene. While this is not anticipated to result in nonsense mediated decay, it is expected to disrupt the last 280 amino acid(s) of the BBS10 protein.

Literature cited by the submitters: PubMed 25982971; PubMed 22773737; PubMed 27486776; PubMed 20472660.